The following is an entry in ClinVar:

NM_001042492.3(NF1):c.7313A>C (p.Tyr2438Ser)

Gene: NF1 (neurofibromin 1; plus strand). Cytogenetic location: 17q11.2.
Variant type: single nucleotide variant.
Coding change: c.7313A>C on transcript NM_001042492.3 (MANE Select); coding-DNA position 7313, A replaced by C.
Protein change: p.Tyr2438Ser; replaces tyrosine 2438 with serine.
Molecular consequence: missense variant.
Genome position (GRCh38, 1-based): chr17:31,349,243, A>C. VCF-style: chr17-31349243-A-C. GRCh37 (hg19) VCF-style: chr17-29676261-A-C.
Other names: c.7250A>C, p.Tyr2417Ser (NM_000267.4); short protein forms Y2417S, Y2438S.
Identifiers: ClinVar variation 3634598 (VCV003634598.2).

ClinVar aggregate classification (germline): Uncertain significance (1 of 4 stars; one submission).

Conditions:
Neurofibromatosis, type 1 (NF1). Also called: VON RECKLINGHAUSEN DISEASE; Peripheral type neurofibromatosis; NEUROFIBROMATOSIS, TYPE I, SOMATIC; Neurofibromatosis, type I. Identifiers: Orphanet 636, MedGen C0027831, MONDO:0018975, OMIM 162200. Disease mechanism: loss of function.

gnomAD v4.1: 1 of 1,612,936 alleles (0.000062%); highest among the groups gnomAD compares: Non-Finnish European, 0.000085%; no homozygotes.

Submission:

Labcorp Genetics (formerly Invitae), Labcorp
Classification: Uncertain significance for Neurofibromatosis, type 1. Last evaluated: 2024-08-29. Review status: criteria provided, single submitter. Criteria: Invitae Variant Classification Sherloc (09022015). Collection method: clinical testing. Allele origin: germline.
Comment: This sequence change replaces tyrosine, which is neutral and polar, with serine, which is neutral and polar, at codon 2417 of the NF1 protein (p.Tyr2417Ser). This variant is not present in population databases (gnomAD no frequency). This variant has not been reported in the literature in individuals affected with NF1-related conditions. Invitae Evidence Modeling of protein sequence and biophysical properties (such as structural, functional, and spatial information, amino acid conservation, physicochemical variation, residue mobility, and thermodynamic stability) indicates that this missense variant is expected to disrupt NF1 protein function with a positive predictive value of 95%. In summary, the available evidence is currently insufficient to determine the role of this variant in disease. Therefore, it has been classified as a Variant of Uncertain Significance.